The following is an entry in ClinVar:

ClinVar aggregate classification (germline): Likely benign. Review status: criteria provided, single submitter (1 of 4 stars). 2 submissions from 2 submitters: Likely benign (1). 1 of the submissions does not count toward it. Last evaluated 2024-11-25.

Conditions:
Inborn genetic diseases. Identifiers: MedGen C0950123, MeSH D030342.
DNMT3A-related disorder. Also called: DNMT3A-related disorders; DNMT3A-related condition.

Allele frequency attached by ClinVar (database versions not stated): gnomAD exomes 0.00001; TOPMed 0.00002.
gnomAD v4.1: 12 of 1,614,176 alleles (0.00074%); highest among the groups gnomAD compares: South Asian, 0.0033%; no homozygotes.

Submissions (2):

Ambry Genetics
Classification: Likely benign for Inborn genetic diseases. Last evaluated: 2024-11-25. Review status: criteria provided, single submitter. Criteria: Ambry Variant Classification Scheme 2023. Collection method: clinical testing. Allele origin: germline.

PreventionGenetics, part of Exact Sciences
Classification: Likely benign for DNMT3A-related condition. Last evaluated: 2022-02-09. Review status: no assertion criteria provided. Collection method: clinical testing. Allele origin: germline. Not counted in ClinVar's aggregate classification.
Comment: This variant is classified as likely benign based on ACMG/AMP sequence variant interpretation guidelines (Richards et al. 2015 PMID: 25741868, with internal and published modifications).

NM_022552.5(DNMT3A):c.1590C>T (p.Asp530=)

Gene: DNMT3A (DNA methyltransferase 3 alpha; minus strand). Cytogenetic location: 2p23.3.
Variant type: single nucleotide variant.
Coding change: c.1590C>T on transcript NM_022552.5 (MANE Select); coding-DNA position 1590, C replaced by T.
Protein change: p.Asp530=; no amino-acid change (aspartic acid 530 retained).
Molecular consequence: synonymous variant. On other transcripts: non-coding transcript variant (1).
Genome position (GRCh38, 1-based): chr2:25,244,617, G>A on the plus strand (C>T on the coding strand, the complement: DNMT3A is on the minus strand). VCF-style: chr2-25244617-G-A. GRCh37 (hg19) VCF-style: chr2-25467486-G-A.
Other names: c.1134C>T, p.Asp378= (NM_001320893.1); c.921C>T, p.Asp307= (NM_001375819.1); c.1023C>T, p.Asp341= (NM_153759.3); c.1590C>T, p.Asp530= (NM_175629.2); c.1590C>T (NM_022552.3).
Identifiers: ClinVar variation 3032702 (VCV003032702.3), dbSNP rs769420114, ClinGen allele CA43703770.